The following is an entry in ClinVar:

ClinVar aggregate classification (germline): Uncertain significance (1 of 4 stars; one submission).

Allele frequency attached by ClinVar (database versions not stated): gnomAD 0.00001; gnomAD exomes 0.00001 and 0.00003; TOPMed 0.00002.
gnomAD v4.1: 20 of 1,613,590 alleles (0.0012%); highest among the groups gnomAD compares: Middle Eastern, 0.016%; no homozygotes.

Submission:

Labcorp Genetics (formerly Invitae), Labcorp
Classification: Uncertain significance. Last evaluated: 2020-12-21. Review status: criteria provided, single submitter. Criteria: Invitae Variant Classification Sherloc (09022015). Collection method: clinical testing. Allele origin: germline.
Comment: In summary, the available evidence is currently insufficient to determine the role of this variant in disease. Therefore, it has been classified as a Variant of Uncertain Significance. Algorithms developed to predict the effect of missense changes on protein structure and function output the following: SIFT: "Tolerated"; PolyPhen-2: "Benign"; Align-GVGD: "Class C0". The isoleucine amino acid residue is found in multiple mammalian species, suggesting that this missense change does not adversely affect protein function. These predictions have not been confirmed by published functional studies and their clinical significance is uncertain. This variant has not been reported in the literature in individuals with P3H2-related conditions. This variant is not present in population databases (ExAC no frequency). This sequence change replaces valine with isoleucine at codon 242 of the P3H2 protein (p.Val242Ile). The valine residue is weakly conserved and there is a small physicochemical difference between valine and isoleucine.

NM_018192.4(P3H2):c.724G>A (p.Val242Ile)

Gene: P3H2 (prolyl 3-hydroxylase 2; minus strand). Cytogenetic location: 3q28.
Variant type: single nucleotide variant.
Coding change: c.724G>A on transcript NM_018192.4 (MANE Select); coding-DNA position 724, G replaced by A.
Protein change: p.Val242Ile; replaces valine 242 with isoleucine.
Molecular consequence: missense variant.
Genome position (GRCh38, 1-based): chr3:189,994,193, C>T on the plus strand (G>A on the coding strand, the complement: P3H2 is on the minus strand). VCF-style: chr3-189994193-C-T. GRCh37 (hg19) VCF-style: chr3-189711982-C-T.
Other names: c.181G>A, p.Val61Ile (NM_001134418.2); short protein forms V61I, V242I.
Identifiers: ClinVar variation 1416659 (VCV001416659.8), dbSNP rs948793764, ClinGen allele CA89741625.
Genomic context (GRCh38, chr3:189,994,193, plus strand): 5'-ACTCATATTCTTCAAATCTCTGAGGCCCCTCACATAGGGTCCGGCATTCTGTATCTTCAA[C>T]GAAATATTCTCTTAAGGCTTGTTCGAAGTGCCTGATAGCCATCTCAAAGTCATCAGCCTC-3'
Protein context (NP_060662.2, residues 232-252): HFEQALREYF[Val242Ile]EDTECRTLCE